The following is an entry in ClinVar:

NM_006940.6(SOX5):c.59C>A (p.Ala20Asp)

Gene: SOX5 (SRY-box transcription factor 5; minus strand). Cytogenetic location: 12p12.1.
Variant type: single nucleotide variant.
Coding change: c.59C>A on transcript NM_006940.6 (MANE Select); coding-DNA position 59, C replaced by A.
Protein change: p.Ala20Asp; replaces alanine 20 with aspartic acid.
Molecular consequence: missense variant.
Genome position (GRCh38, 1-based): chr12:23,896,004, G>T on the plus strand (C>A on the coding strand, the complement: SOX5 is on the minus strand). VCF-style: chr12-23896004-G-T. GRCh37 (hg19) VCF-style: chr12-24048938-G-T.
Other names: c.20C>A, p.Ala7Asp (NM_001261414.3, NM_152989.5); c.29C>A, p.Ala10Asp (NM_001261415.3); c.59C>A, p.Ala20Asp (NM_001330785.2); short protein forms A10D, A7D, A20D.
Identifiers: ClinVar variation 5030053 (VCV005030053.1).
Genomic context (GRCh38, chr12:23,896,004, plus strand): 5'-TCCACTTTCTGTCTGCTTGTCACCATGGCTACCTCTCCATCTGCTTCCCCATACGGAGAG[G>T]CTGGTCGCTTGGAAGACATCCTGGAAGGAACAAAAGAGGAGAAAATAATGAAACCTCCAC-3'
Protein context (NP_008871.3, residues 10-30): EFERMSSKRP[Ala20Asp]SPYGEADGEV

ClinVar aggregate classification (germline): Uncertain significance (1 of 4 stars; one submission).

Conditions:
Inborn genetic diseases. Identifiers: MedGen C0950123, MeSH D030342.

gnomAD v4.1: 2 of 1,613,632 alleles (0.00012%); highest among the groups gnomAD compares: South Asian, 0.0011%; no homozygotes.

Submission:

Ambry Genetics
Classification: Uncertain significance for Inborn genetic diseases. Last evaluated: 2026-09-02. Review status: criteria provided, single submitter. Criteria: Ambry Variant Classification Scheme 2023. Collection method: clinical testing. Allele origin: germline.
Comment: The c.59C>A (p.A20D) alteration is located in exon 2 (coding exon 2) of the SOX5 gene. This alteration results from a C to A substitution at nucleotide position 59, causing the alanine (A) at amino acid position 20 to be replaced by an aspartic acid (D). Based on data from gnomAD, the A allele has an overall frequency of <0.001% (1/250888) total alleles studied. The highest observed frequency was 0.003% (1/30612) of South Asian alleles. Based on insufficient or conflicting evidence, the clinical significance of this alteration remains unclear.